The following is an entry in ClinVar:

NM_001267550.2(TTN):c.105664A>G (p.Arg35222Gly)

Genes: TTN-AS1 (TTN antisense RNA 1; plus strand), TTN (titin; minus strand), LOC129935183 (ATAC-STARR-seq lymphoblastoid active region 16808; plus strand). Cytogenetic location: 2q31.2.
Variant type: single nucleotide variant.
Coding change: c.105664A>G on transcript NM_001267550.2 (MANE Select); coding-DNA position 105664, A replaced by G.
Protein change: p.Arg35222Gly; replaces arginine 35222 with glycine.
Molecular consequence: missense variant.
Genome position (GRCh38, 1-based): chr2:178,530,951, T>C on the plus strand (A>G on the coding strand, the complement: TTN is on the minus strand). VCF-style: chr2-178530951-T-C. GRCh37 (hg19) VCF-style: chr2-179395678-T-C.
Other names: c.100741A>G, p.Arg33581Gly (NM_001256850.1); c.78469A>G, p.Arg26157Gly (NM_003319.4); c.97960A>G, p.Arg32654Gly (NM_133378.4); c.78844A>G, p.Arg26282Gly (NM_133432.3); c.79045A>G, p.Arg26349Gly (NM_133437.4); short protein forms R26157G, R26282G, R26349G, R32654G, R33581G, R35222G.
Identifiers: ClinVar variation 1055382 (VCV001055382.9), dbSNP rs2154133116, ClinGen allele CA349408174.

ClinVar aggregate classification (germline): Uncertain significance (1 of 4 stars; one submission).

Conditions:
Dilated cardiomyopathy 1G (CMD1G). Identifiers: Orphanet 154, MedGen C1858763, MONDO:0011400, OMIM 604145.
Autosomal recessive limb-girdle muscular dystrophy type 2J (LGMDR10). Also called: Limb-girdle muscular dystrophy, type 2J; MUSCULAR DYSTROPHY, LIMB-GIRDLE, AUTOSOMAL RECESSIVE 10. Identifiers: Orphanet 140922, MedGen C1837342, MONDO:0012127, OMIM 608807.

Submission:

Labcorp Genetics (formerly Invitae), Labcorp
Classification: Uncertain significance for Dilated cardiomyopathy 1G; Autosomal recessive limb-girdle muscular dystrophy type 2J. Last evaluated: 2020-07-29. Review status: criteria provided, single submitter. Criteria: Invitae Variant Classification Sherloc (09022015). Collection method: clinical testing. Allele origin: germline.
Comment: This variant has not been reported in the literature in individuals with TTN-related conditions. This sequence change replaces arginine with glycine at codon 35222 of the TTN protein (p.Arg35222Gly). There is a moderate physicochemical difference between arginine and glycine. This variant is not present in population databases (ExAC no frequency). Algorithms developed to predict the effect of missense changes on protein structure and function are unavailable for the TTN gene. In summary, the available evidence is currently insufficient to determine the role of this variant in disease. Therefore, it has been classified as a Variant of Uncertain Significance. This variant is located in the M band of TTN (PMID: 25589632). Variants in this region may be relevant for neuromuscular disorders, but have not been definitively shown to cause cardiomyopathy (PMID: 23975875).

Literature cited by the submitters: PubMed 25589632; PubMed 23975875.